The following is an entry in ClinVar:

NM_000444.6(PHEX):c.1658G>A (p.Gly553Glu)

Genes: PHEX (phosphate regulating endopeptidase X-linked; plus strand), PTCHD1-AS (PTCHD1 and PHEX antisense RNA; minus strand). Cytogenetic location: Xp22.11.
Variant type: single nucleotide variant.
Coding change: c.1658G>A on transcript NM_000444.6 (MANE Select); coding-DNA position 1658, G replaced by A.
Protein change: p.Gly553Glu; replaces glycine 553 with glutamic acid.
Molecular consequence: missense variant.
Genome position (GRCh38, 1-based): chrX:22,212,916, G>A. VCF-style: chrX-22212916-G-A. GRCh37 (hg19) VCF-style: chrX-22231033-G-A.
Other names: c.1658G>A, p.Gly553Glu (NM_001282754.2); short protein forms G553E.
Identifiers: ClinVar variation 420130 (VCV000420130.6), dbSNP rs1064794306, ClinGen allele CA16621328.
Genomic context (GRCh38, chrX:22,212,916, plus strand): 5'-CATTGAATCAATCTCTCTATATCTCTTAACATTTTTTCCTTCTCATAGGATTTCCAGCAG[G>A]AGAGCTCCAGAAGCCTTTCTTTTGGGGAACAGAATATCCTCGGTGAGTAAATGAGTACAG-3'
Protein context (NP_000435.3, residues 543-563): ASTNQIRFPA[Gly553Glu]ELQKPFFWGT

ClinVar aggregate classification (germline): Pathogenic/Likely pathogenic. Review status: criteria provided, multiple submitters, no conflicts (2 of 4 stars). 2 submissions from 2 submitters: Pathogenic (1); Likely pathogenic (1). Last evaluated 2023-10-29.

Submissions (2):

Labcorp Genetics (formerly Invitae), Labcorp
Classification: Pathogenic. Last evaluated: 2023-10-29. Review status: criteria provided, single submitter. Criteria: Invitae Variant Classification Sherloc (09022015). Collection method: clinical testing. Allele origin: germline.
Comment: This sequence change replaces glycine, which is neutral and non-polar, with glutamic acid, which is acidic and polar, at codon 553 of the PHEX protein (p.Gly553Glu). This variant is not present in population databases (gnomAD no frequency). This missense change has been observed in individual(s) with hypophosphatemic rickets (PMID: 21050253, 32329911). In at least one individual the variant was observed to be de novo. ClinVar contains an entry for this variant (Variation ID: 420130). Advanced modeling of protein sequence and biophysical properties (such as structural, functional, and spatial information, amino acid conservation, physicochemical variation, residue mobility, and thermodynamic stability) performed at Invitae indicates that this missense variant is expected to disrupt PHEX protein function with a positive predictive value of 95%. Experimental studies have shown that this missense change affects PHEX function (PMID: 32329911). For these reasons, this variant has been classified as Pathogenic.

GeneDx
Classification: Likely pathogenic. Last evaluated: 2017-02-21. Review status: criteria provided, single submitter. Criteria: GeneDx Variant Classification (06012015). Collection method: clinical testing. Allele origin: germline. Affected: yes.
Comment: The G553E variant has been published previously in association with X-linked hypophosphatemic rickets (Ruppe et al., 2011). The variant is not observed in large population cohorts (Lek et al., 2016; 1000 Genomes Consortium et al., 2015; Exome Variant Server). G553E is a non-conservative amino acid substitution, which is likely to impact secondary protein structure as these residues differ in polarity, charge, size and/or other properties. This substitution occurs at a position that is conserved across species, and in silico analysis predicts this variant is probably damaging to the protein structure/function. Missense variants in nearby residues (I548T, R549P, L555P, P558R) have been reported in the Human Gene Mutation Database in association with hypophosphatemic rickets (Stenson et al., 2014), supporting the functional importance of this region of the protein. In summary, this variant is likely pathogenic; however, the possibility that it is benign cannot be excluded.

Literature cited by the submitters: PubMed 21050253 (cited by Labcorp Genetics (formerly Invitae), Labcorp); PubMed 32329911 (cited by Labcorp Genetics (formerly Invitae), Labcorp).